The following is an entry in ClinVar:

NM_002249.6(KCNN3):c.200AGC[9] (p.Gln76_Gln80del)

Gene: KCNN3 (potassium calcium-activated channel subfamily N member 3; minus strand). Cytogenetic location: 1q21.3.
Variant type: Microsatellite.
Coding change: c.200AGC[9] on transcript NM_002249.6 (MANE Select); nine copies in a row of the 3-base unit AGC starting at c.200; the reference has 14 copies in a row; five copies, 15 bases deleted.
Protein change: p.Gln76_Gln80del.
Molecular consequence: inframe deletion.
Genome position (GRCh38, 1-based): chr1:154,869,724-154,869,738, GCTGCTGCTGCTGCT deleted on the plus strand (AGCAGCAGCAGCAGC on the coding strand, the reverse complement: KCNN3 is on the minus strand); deleting any 15 consecutive bases within chr1:154,869,724-154,869,766 gives the same sequence; the position shown is the placement nearest the transcript's 3' end. VCF-style (leftmost placement, unchanged base first): chr1-154869723-GGCTGCTGCTGCTGCT-G. GRCh37 (hg19) VCF-style: chr1-154842199-GGCTGCTGCTGCTGCT-G.
Other names: c.200AGC[9], p.Gln76_Gln80del (NM_001204087.2).
Identifiers: ClinVar variation 1685505 (VCV001685505.2), dbSNP rs3831942, ClinGen allele CA889598073.
Genomic context (GRCh38, chr1:154,869,723, plus strand): 5'-AGCAGGCCAGGGTGGACGGGCTGGCTCTGGAGTTGGGCGAGCTGAGACAGGGGATGCGGT[GGCTGCTGCTGCTGCT>G]GCTGCTGCTGCTGCTGCTGCTGCTGCTGAAGCTGCGGAGGCTGAGGCTGCAGCGAGGGTC-3'

ClinVar aggregate classification (germline): Benign/Likely benign. Review status: criteria provided, multiple submitters, no conflicts (2 of 4 stars). 2 submissions from 2 submitters: Benign (1); Likely benign (1). Last evaluated 2026-08-01.

Submissions (2):

CeGaT Center for Human Genetics Tuebingen
Classification: Likely benign. Last evaluated: 2026-08-01. Review status: criteria provided, single submitter. Criteria: CeGaT Center For Human Genetics Tuebingen Variant Classification Criteria Version 2. Collection method: clinical testing. Allele origin: germline. Affected: yes. Observed: 1 variant allele.
Comment: KCNN3: BS2

Mendelics
Classification: Benign. Last evaluated: 2022-05-04. Review status: criteria provided, single submitter. Criteria: Mendelics Assertion Criteria 2019. Collection method: clinical testing. Allele origin: germline.